The following is an entry in ClinVar:

ClinVar aggregate classification (germline): Pathogenic/Likely pathogenic. Review status: criteria provided, multiple submitters, no conflicts (2 of 4 stars). 5 submissions from 5 submitters: Pathogenic (3); Likely pathogenic (2). Last evaluated 2026-04-27.

Conditions:
Hereditary cancer-predisposing syndrome. Also called: Neoplastic Syndromes, Hereditary; Tumor predisposition; Hereditary Cancer Syndrome; Hereditary neoplastic syndrome. Identifiers: Orphanet 140162, MedGen C0027672, MeSH D009386, MONDO:0015356.
Bloom syndrome (BLM). Also called: Bloom-Torre-Machacek syndrome. Identifiers: Orphanet 125, MedGen C0005859, MONDO:0008876, OMIM 210900.

Submissions (5):

Myriad Genetics, Inc.
Classification: Pathogenic for Bloom syndrome. Last evaluated: 2026-04-27. Review status: criteria provided, single submitter. Criteria: Myriad Autosomal Dominant, Autosomal Recessive and X-Linked Classification Criteria (2023). Collection method: clinical testing. Allele origin: unknown.
Comment: NM_000057.3(BLM):c.3569delTinsAA(M1190Kfs*27) is a frameshift variant classified as pathogenic in the context of Bloom syndrome. M1190Kfs*27 has not been observed in cases with relevant disease. Relevant functional assessments of this variant are not available in the literature. M1190Kfs*27 has not been observed in referenced population frequency databases. In summary, NM_000057.3(BLM):c.3569delTinsAA(M1190Kfs*27) is a frameshift variant in a gene where loss of function is a known mechanism of disease and is predicted to disrupt protein function. Please note: this variant was assessed in the context of healthy population screening.

Natera, Inc.
Classification: Likely pathogenic for Bloom syndrome. Last evaluated: 2025-05-23. Review status: criteria provided, single submitter. Criteria: Natera Variant Classification Schema (03/2026). Collection method: clinical testing. Allele origin: germline.
Comment: The c.3569delTinsAA variant in BLM is a frameshift variant predicted to shift the reading frame beginning at codon 1190 and leads to a stop codon 27 codons downstream. This variant is expected to result in nonsense mediated decay, truncation, or a dysfunctional protein product. This variant is rare in the general population with a frequency below the threshold expected for the associated phenotype(s). Given the available evidence, this variant is classified as Likely Pathogenic.

Labcorp Genetics (formerly Invitae), Labcorp
Classification: Pathogenic for Bloom syndrome. Last evaluated: 2024-06-04. Review status: criteria provided, single submitter. Criteria: Invitae Variant Classification Sherloc (09022015). Collection method: clinical testing. Allele origin: germline.
Comment: This sequence change creates a premature translational stop signal (p.Met1190Lysfs*27) in the BLM gene. It is expected to result in an absent or disrupted protein product. Loss-of-function variants in BLM are known to be pathogenic (PMID: 17407155). Information on the frequency of this variant in the gnomAD database is not available, as this variant may be reported differently in the database. This variant has not been reported in the literature in individuals affected with BLM-related conditions. For these reasons, this variant has been classified as Pathogenic.

Fulgent Genetics
Classification: Likely pathogenic for Bloom syndrome. Last evaluated: 2024-03-05. Review status: criteria provided, single submitter. Criteria: ACMG Guidelines, 2015. Collection method: clinical testing. Allele origin: germline.

Ambry Genetics
Classification: Pathogenic for Hereditary cancer-predisposing syndrome. Last evaluated: 2016-11-29. Review status: criteria provided, single submitter. Criteria: Ambry Variant Classification Scheme 2023. Collection method: clinical testing. Allele origin: germline.
Comment: The c.3569delTinsAA pathogenic mutation, located in coding exon 18 of the BLM gene, results from the deletion of one nucleotide and insertion of two nucleotides causing a translational frameshift with a predicted alternate stop codon. This alteration is expected to result in loss of function by premature protein truncation or nonsense-mediated mRNA decay. As such, this alteration is interpreted as a disease-causing mutation.

Literature cited by the submitters: PubMed 17407155 (cited by Labcorp Genetics (formerly Invitae), Labcorp).

NM_000057.4(BLM):c.3569delinsAA (p.Met1190fs)

Gene: BLM (BLM RecQ like helicase; plus strand). Cytogenetic location: 15q26.1.
Variant type: Indel.
Coding change: c.3569delinsAA on transcript NM_000057.4 (MANE Select); coding-DNA position 3569, T replaced by AA.
Protein change: p.Met1190fs; shifts the reading frame from methionine 1190.
Molecular consequence: frameshift variant. On other transcripts: intron variant (1).
Genome position (GRCh38, 1-based): chr15:90,804,177, T replaced by AA. VCF-style: chr15-90804177-T-AA. GRCh37 (hg19) VCF-style: chr15-91347407-T-AA.
Other names: c.3569delTinsAA (NM_000057.3); c.3569delinsAA, p.Met1190fs (NM_001287246.2); c.2444delinsAA, p.Met815fs (NM_001287248.2); c.3359-4960delinsAA (NM_001287247.2); short protein forms M1190fs, M815fs.
Identifiers: ClinVar variation 580708 (VCV000580708.11), dbSNP rs1567063125, ClinGen allele CA891843635.